The following is an entry in ClinVar:

ClinVar aggregate classification (germline): Uncertain significance. Review status: criteria provided, multiple submitters, no conflicts (2 of 4 stars). 3 submissions from 3 submitters: Uncertain significance (3). Last evaluated 2024-11-20.

Conditions:
Dilated cardiomyopathy 1Z (CMD1Z). Identifiers: Orphanet 154, MedGen C2678475, MONDO:0012745, OMIM 611879.
Hypertrophic cardiomyopathy 13. Also called: TNNC1-Related Familial Hypertrophic Cardiomyopathy. Identifiers: MedGen C2750472, MONDO:0013195, OMIM 613243.

Allele frequency attached by ClinVar (database versions not stated): gnomAD 0.00001; 1000 Genomes Project 30x 0.00016; gnomAD exomes below 0.00001; TOPMed below 0.00001; ExAC 0.00001; 1000 Genomes Project 0.00020.
gnomAD v4.1: 6 of 1,614,088 alleles (0.00037%); highest among the groups gnomAD compares: African/African-American, 0.0053%; no homozygotes.

Submissions (3):

GeneDx
Classification: Uncertain significance. Last evaluated: 2024-11-20. Review status: criteria provided, single submitter. Criteria: GeneDx Variant Classification Process June 2021. Collection method: clinical testing. Allele origin: germline. Affected: yes.
Comment: Not observed at significant frequency in large population cohorts (gnomAD); In silico analysis indicates that this missense variant does not alter protein structure/function; Has not been previously published as pathogenic or benign to our knowledge

Labcorp Genetics (formerly Invitae), Labcorp
Classification: Uncertain significance for Hypertrophic cardiomyopathy 13; Dilated cardiomyopathy 1Z. Last evaluated: 2023-03-26. Review status: criteria provided, single submitter. Criteria: Invitae Variant Classification Sherloc (09022015). Collection method: clinical testing. Allele origin: germline.
Comment: In summary, the available evidence is currently insufficient to determine the role of this variant in disease. Therefore, it has been classified as a Variant of Uncertain Significance. Algorithms developed to predict the effect of missense changes on protein structure and function output the following: SIFT: "Not Available"; PolyPhen-2: "Benign"; Align-GVGD: "Not Available". The threonine amino acid residue is found in multiple mammalian species, which suggests that this missense change does not adversely affect protein function. ClinVar contains an entry for this variant (Variation ID: 860219). This variant has not been reported in the literature in individuals affected with TNNC1-related conditions. This variant is present in population databases (rs200296115, gnomAD 0.007%). This sequence change replaces isoleucine, which is neutral and non-polar, with threonine, which is neutral and polar, at codon 119 of the TNNC1 protein (p.Ile119Thr).

Fulgent Genetics
Classification: Uncertain significance for Dilated cardiomyopathy 1Z; Hypertrophic cardiomyopathy 13. Last evaluated: 2021-07-16. Review status: criteria provided, single submitter. Criteria: ACMG Guidelines, 2015. Collection method: clinical testing. Allele origin: unknown.

NM_003280.3(TNNC1):c.356T>C (p.Ile119Thr)

Gene: TNNC1 (troponin C1, slow skeletal and cardiac type; minus strand). Cytogenetic location: 3p21.1.
Variant type: single nucleotide variant.
Coding change: c.356T>C on transcript NM_003280.3 (MANE Select); coding-DNA position 356, T replaced by C.
Protein change: p.Ile119Thr; replaces isoleucine 119 with threonine.
Molecular consequence: missense variant.
Genome position (GRCh38, 1-based): chr3:52,451,489, A>G on the plus strand (T>C on the coding strand, the complement: TNNC1 is on the minus strand). VCF-style: chr3-52451489-A-G. GRCh37 (hg19) VCF-style: chr3-52485505-A-G.
Other names: short protein forms I119T.
Identifiers: ClinVar variation 860219 (VCV000860219.9), dbSNP rs200296115, ClinGen allele CA2438513.
Genomic context (GRCh38, chr3:52,451,489, plus strand): 5'-TCCTTCATGAGCTCCTCGATGTCGTCCTCCGTGATGGTCTCGCCTGTAGCCTGCAGCATT[A>G]TCTTCAGCTCATCCAGGTCGATGTAGCCATCAGCATTTCTGTGGGGAGGGGGCTCAGGGT-3'
Protein context (NP_003271.1, residues 109-129): DGYIDLDELK[Ile119Thr]MLQATGETIT